The following is an entry in ClinVar:

ClinVar aggregate classification (germline): Pathogenic/Likely pathogenic. Review status: criteria provided, multiple submitters, no conflicts (2 of 4 stars). 2 submissions from 2 submitters: Pathogenic (1); Likely pathogenic (1). Last evaluated 2025-12-20.

Conditions:
Mulibrey nanism syndrome. Also called: MUSCLE-LIVER-BRAIN-EYE NANISM; PERHEENTUPA SYNDROME; PERICARDIAL CONSTRICTION AND GROWTH FAILURE. Identifiers: Orphanet 2576, MedGen C0524582, MONDO:0009664, OMIM 253250.

Allele frequency attached by ClinVar (database versions not stated): TOPMed below 0.00001.
gnomAD v4.1: 29 of 1,613,584 alleles (0.0018%); highest among the groups gnomAD compares: Non-Finnish European, 0.002%; no homozygotes.

Submissions (2):

Labcorp Genetics (formerly Invitae), Labcorp
Classification: Pathogenic. Last evaluated: 2025-12-20. Review status: criteria provided, single submitter. Criteria: Invitae Variant Classification Sherloc (09022015). Collection method: clinical testing. Allele origin: germline.
Comment: This sequence change creates a premature translational stop signal (p.Arg361*) in the TRIM37 gene. It is expected to result in an absent or disrupted protein product. Loss-of-function variants in TRIM37 are known to be pathogenic (PMID: 10888877, 15108285). This variant is present in population databases (no rsID available, gnomAD 0.02%). This variant has not been reported in the literature in individuals affected with TRIM37-related conditions. ClinVar contains an entry for this variant (Variation ID: 2679250). For these reasons, this variant has been classified as Pathogenic.

Baylor Genetics
Classification: Likely pathogenic for Mulibrey nanism syndrome. Last evaluated: 2024-02-13. Review status: criteria provided, single submitter. Criteria: ACMG Guidelines, 2015. Collection method: clinical testing. Allele origin: unknown.

Literature cited by the submitters: PubMed 10888877 (cited by Labcorp Genetics (formerly Invitae), Labcorp); PubMed 15108285 (cited by Labcorp Genetics (formerly Invitae), Labcorp).

NM_015294.6(TRIM37):c.1081C>T (p.Arg361Ter)

Gene: TRIM37 (tripartite motif containing 37; minus strand). Cytogenetic location: 17q22.
Variant type: single nucleotide variant.
Coding change: c.1081C>T on transcript NM_015294.6 (MANE Select); coding-DNA position 1081, C replaced by T.
Protein change: p.Arg361Ter; replaces arginine 361 with a stop codon.
Molecular consequence: nonsense. On other transcripts: non-coding transcript variant (2).
Genome position (GRCh38, 1-based): chr17:59,056,993, G>A on the plus strand (C>T on the coding strand, the complement: TRIM37 is on the minus strand). VCF-style: chr17-59056993-G-A. GRCh37 (hg19) VCF-style: chr17-57134354-G-A.
Other names: c.1081C>T, p.Arg361Ter (NM_001005207.5, NM_001320988.3, NM_001320989.3 and 1 more transcripts); c.979C>T, p.Arg327Ter (NM_001320987.3, NM_001353082.2); c.715C>T, p.Arg239Ter (NM_001320990.3); c.346C>T, p.Arg116Ter (NM_001353083.2); c.619C>T, p.Arg207Ter (NM_001353085.2); c.1030C>T, p.Arg344Ter (NM_001353086.2); short protein forms R116*, R207*, R239*, R327*, R344*, R361*.
Identifiers: ClinVar variation 2679250 (VCV002679250.5), dbSNP rs1294799200, ClinGen allele CA400403585.
Genomic context (GRCh38, chr17:59,056,993, plus strand): 5'-AACGGAAAAATCTATTATAGCCCCAGCATTCTCCAACTTCAAAGTCAGATGCAAATTCTC[G>A]AATGATATTTTTTGTAGGATCATTACAGGACTGGTGAACCATCTCTACACGATATTCATA-3'